The following is an entry in ClinVar:

NM_001365276.2(TNXB):c.6652G>A (p.Glu2218Lys)

Gene: TNXB (tenascin XB; minus strand). Cytogenetic location: 6p21.33.
Variant type: single nucleotide variant.
Coding change: c.6652G>A on transcript NM_001365276.2 (MANE Select); coding-DNA position 6652, G replaced by A.
Protein change: p.Glu2218Lys; replaces glutamic acid 2218 with lysine.
Molecular consequence: missense variant.
Genome position (GRCh38, 1-based): chr6:32,065,010, C>T on the plus strand (G>A on the coding strand, the complement: TNXB is on the minus strand). VCF-style: chr6-32065010-C-T. GRCh37 (hg19) VCF-style: chr6-32032787-C-T.
Other names: c.6652G>A, p.Glu2218Lys (NM_019105.8); short protein forms E2218K.
Identifiers: ClinVar variation 1311598 (VCV001311598.7), dbSNP rs530280191, ClinGen allele CA3734365.
Genomic context (GRCh38, chr6:32,065,010, plus strand): 5'-CCGCCTTGGGCTGCCCGTCCCCATTCTTAAACTGGACCAAGAAATGGTCAAACTGGCCCT[C>T]GGGGACTGTCCAGGAGAGGCTGAGGGAGTCGGAGGTGATGTCTCTCACTGTCATCTGCCC-3'
Protein context (NP_001352205.1, residues 2208-2228): DSLSLSWTVP[Glu2218Lys]GQFDHFLVQF

ClinVar aggregate classification (germline): Uncertain significance. Review status: criteria provided, multiple submitters, no conflicts (2 of 4 stars). 2 submissions from 2 submitters: Uncertain significance (2). Last evaluated 2025-11-26.

Conditions:
Cardiovascular phenotype. Identifiers: MedGen CN230736.

Allele frequency attached by ClinVar (database versions not stated): TOPMed 0.00002; gnomAD exomes 0.00005 and 0.00001; ExAC 0.00001; gnomAD 0.00001.
gnomAD v4.1: 70 of 1,611,384 alleles (0.0043%); highest among the groups gnomAD compares: South Asian, 0.0055%; 1 homozygote.

Submissions (2):

GeneDx
Classification: Uncertain significance. Last evaluated: 2025-11-26. Review status: criteria provided, single submitter. Criteria: GeneDx Variant Classification Process June 2021. Collection method: clinical testing. Allele origin: germline. Affected: yes.
Comment: Has not been previously published as pathogenic or benign to our knowledge; Not observed at significant frequency in large population cohorts (gnomAD); In silico analysis suggests that this missense variant does not alter protein structure/function

Ambry Genetics
Classification: Uncertain significance for Cardiovascular phenotype. Last evaluated: 2025-10-01. Review status: criteria provided, single submitter. Criteria: Ambry Variant Classification Scheme 2023. Collection method: clinical testing. Allele origin: germline.
Comment: The p.E2218K variant (also known as c.6652G>A), located in coding exon 18 of the TNXB gene, results from a G to A substitution at nucleotide position 6652. The glutamic acid at codon 2218 is replaced by lysine, an amino acid with similar properties. This amino acid position is conserved. In addition, this alteration is predicted to be tolerated by in silico analysis. Since supporting evidence is limited at this time, the clinical significance of this alteration remains unclear.